The following is an entry in ClinVar:

NM_130783.5(TSPAN18):c.397G>A (p.Val133Ile)

Gene: TSPAN18 (tetraspanin 18; plus strand). Cytogenetic location: 11p11.2.
Variant type: single nucleotide variant.
Coding change: c.397G>A on transcript NM_130783.5 (MANE Select); coding-DNA position 397, G replaced by A.
Protein change: p.Val133Ile; replaces valine 133 with isoleucine.
Molecular consequence: missense variant.
Genome position (GRCh38, 1-based): chr11:44,919,277, G>A. VCF-style: chr11-44919277-G-A. GRCh37 (hg19) VCF-style: chr11-44940828-G-A.
Other names: short protein forms V133I.
Identifiers: ClinVar variation 3059513 (VCV003059513.2), dbSNP rs2291334, ClinGen allele CA5956457.
Genomic context (GRCh38, chr11:44,919,277, plus strand): 5'-ACCCGAGAATTCTTCACCAAGGAGCTCACCAAGCACTACCAGGGCAATAACGACACAGAC[G>A]TCTTCTCTGCCACCTGGAACTCGGTCATGATCACAGTGAGTGACGCCCCAGAGATGCTAT-3'
Protein context (NP_570139.3, residues 123-143): KHYQGNNDTD[Val133Ile]FSATWNSVMI

ClinVar aggregate classification (germline): Benign (0 of 4 stars; one submission).

Conditions:
TSPAN18-related disorder. Also called: TSPAN18-related condition.

Allele frequency attached by ClinVar (database versions not stated): ESP Exome Variant Server 0.25969; TOPMed 0.28535; gnomAD 0.29346; 1000 Genomes Project 30x 0.33869; 1000 Genomes Project 0.34704; ExAC 0.37009.
gnomAD v4.1: 585,756 of 1,613,394 alleles (36%); highest among the groups gnomAD compares: East Asian, 58%; 112,083 homozygotes.

Submission:

PreventionGenetics, part of Exact Sciences
Classification: Benign for TSPAN18-related condition. Last evaluated: 2019-10-17. Review status: no assertion criteria provided. Collection method: clinical testing. Allele origin: germline.
Comment: This variant is classified as benign based on ACMG/AMP sequence variant interpretation guidelines (Richards et al. 2015 PMID: 25741868, with internal and published modifications).